The following is an entry in ClinVar:

ClinVar aggregate classification (germline): Likely pathogenic (1 of 4 stars; one submission).

Conditions:
Developmental and epileptic encephalopathy, 11 (DEE11). Also called: Early infantile epileptic encephalopathy 11. Identifiers: Orphanet 1934, MedGen C3150987, MONDO:0013388, OMIM 613721.
Seizures, benign familial infantile, 3 (BFIS3). Also called: CONVULSIONS, BENIGN FAMILIAL INFANTILE, 3; Familial neonatal seizures. Identifiers: Orphanet 140927, Orphanet 306, MedGen C1843140, MONDO:0011904, OMIM 607745.

Submission:

Labcorp Genetics (formerly Invitae), Labcorp
Classification: Likely pathogenic for Seizures, benign familial infantile, 3; Developmental and epileptic encephalopathy, 11. Last evaluated: 2021-03-25. Review status: criteria provided, single submitter. Criteria: Invitae Variant Classification Sherloc (09022015). Collection method: clinical testing. Allele origin: germline.
Comment: This variant is not present in population databases (ExAC no frequency). This sequence change replaces glycine with glutamic acid at codon 1484 of the SCN2A protein (p.Gly1484Glu). The glycine residue is weakly conserved and there is a moderate physicochemical difference between glycine and glutamic acid. This variant has been observed in individual(s) with clinical features of SCN2A-related conditions (Invitae). In at least one individual the variant was observed to be de novo. In summary, the currently available evidence indicates that the variant is pathogenic, but additional data are needed to prove that conclusively. Therefore, this variant has been classified as Likely Pathogenic. Algorithms developed to predict the effect of missense changes on protein structure and function are either unavailable or do not agree on the potential impact of this missense change (SIFT: "Deleterious"; PolyPhen-2: "Benign"; Align-GVGD: "Class C0").

NM_001040142.2(SCN2A):c.4451G>A (p.Gly1484Glu)

Gene: SCN2A (sodium voltage-gated channel alpha subunit 2; plus strand). Cytogenetic location: 2q24.3.
Variant type: single nucleotide variant.
Coding change: c.4451G>A on transcript NM_001040142.2 (MANE Select); coding-DNA position 4451, G replaced by A.
Protein change: p.Gly1484Glu; replaces glycine 1484 with glutamic acid.
Molecular consequence: missense variant.
Genome position (GRCh38, 1-based): chr2:165,381,097, G>A. VCF-style: chr2-165381097-G-A. GRCh37 (hg19) VCF-style: chr2-166237607-G-A.
Other names: c.4451G>A, p.Gly1484Glu (NM_001040143.2, NM_001371246.1, NM_001371247.1 and 1 more transcripts); short protein forms G1484E.
Identifiers: ClinVar variation 1494763 (VCV001494763.8), dbSNP rs2105385669, ClinGen allele CA349034511.